The following is an entry in ClinVar:

NM_000257.4(MYH7):c.1712G>A (p.Gly571Glu)

Gene: MYH7 (myosin heavy chain 7; minus strand). Cytogenetic location: 14q11.2.
Variant type: single nucleotide variant.
Coding change: c.1712G>A on transcript NM_000257.4 (MANE Select); coding-DNA position 1712, G replaced by A.
Protein change: p.Gly571Glu; replaces glycine 571 with glutamic acid.
Molecular consequence: missense variant.
Genome position (GRCh38, 1-based): chr14:23,427,761, C>T on the plus strand (G>A on the coding strand, the complement: MYH7 is on the minus strand). VCF-style: chr14-23427761-C-T. GRCh37 (hg19) VCF-style: chr14-23896970-C-T.
Other names: c.1712G>A, p.Gly571Glu (NM_001407004.1); short protein forms G571E.
Identifiers: ClinVar variation 4801949 (VCV004801949.1).

ClinVar aggregate classification (germline): Likely pathogenic (1 of 4 stars; one submission).

Conditions:
Hypertrophic cardiomyopathy. Also called: HYPERTROPHIC MYOCARDIOPATHY. Identifiers: Orphanet 217569, MedGen C0007194, MeSH D002312, MONDO:0005045, HP:0001639.

Submission:

Labcorp Genetics (formerly Invitae), Labcorp
Classification: Likely pathogenic for Hypertrophic cardiomyopathy. Last evaluated: 2025-09-01. Review status: criteria provided, single submitter. Criteria: Invitae Variant Classification Sherloc (09022015). Collection method: clinical testing. Allele origin: germline.
Comment: This sequence change replaces glycine, which is neutral and non-polar, with glutamic acid, which is acidic and polar, at codon 571 of the MYH7 protein (p.Gly571Glu). This variant is not present in population databases (gnomAD no frequency). This missense change has been observed in individual(s) with dilated cardiomyopathy (internal data). Invitae Evidence Modeling of protein sequence and biophysical properties (such as structural, functional, and spatial information, amino acid conservation, physicochemical variation, residue mobility, and thermodynamic stability) indicates that this missense variant is expected to disrupt MYH7 protein function with a positive predictive value of 95%. This variant disrupts the p.Gly571 amino acid residue in MYH7. Other variant(s) that disrupt this residue have been determined to be pathogenic (PMID: 12820698, 32746448, 37652022, 38002985). This suggests that this residue is clinically significant, and that variants that disrupt this residue are likely to be disease-causing. In summary, the currently available evidence indicates that the variant is pathogenic, but additional data are needed to prove that conclusively. Therefore, this variant has been classified as Likely Pathogenic.

Literature cited by the submitters: PubMed 12820698; PubMed 32746448; PubMed 37652022; PubMed 38002985.